The following is an entry in ClinVar:

NM_002206.3(ITGA7):c.2545C>G (p.Gln849Glu)

Gene: ITGA7 (integrin subunit alpha 7; minus strand). Cytogenetic location: 12q13.2.
Variant type: single nucleotide variant.
Coding change: c.2545C>G on transcript NM_002206.3 (MANE Select); coding-DNA position 2545, C replaced by G.
Protein change: p.Gln849Glu; replaces glutamine 849 with glutamic acid.
Molecular consequence: missense variant.
Genome position (GRCh38, 1-based): chr12:55,693,308, G>C on the plus strand (C>G on the coding strand, the complement: ITGA7 is on the minus strand). VCF-style: chr12-55693308-G-C. GRCh37 (hg19) VCF-style: chr12-56087092-G-C.
Other names: c.2557C>G, p.Gln853Glu (NM_001144996.2); c.2266C>G, p.Gln756Glu (NM_001144997.2); c.2218C>G, p.Gln740Glu (NM_001367993.1); c.1201C>G, p.Gln401Glu (NM_001367994.1); c.2527C>G, p.Gln843Glu (NM_001374465.1); c.2677C>G, p.Gln893Glu (NM_001410977.1); c.2539C>G, p.Gln847Glu (NM_001414029.1); c.2470C>G, p.Gln824Glu (NM_001414030.1); and 5 more; short protein forms Q756E, Q849E, Q401E, Q740E, Q853E, Q843E, Q893E, Q788E.
Identifiers: ClinVar variation 537997 (VCV000537997.10), dbSNP rs143055936, ClinGen allele CA6615534.

ClinVar aggregate classification (germline): Uncertain significance. Review status: criteria provided, multiple submitters, no conflicts (2 of 4 stars). 3 submissions from 3 submitters: Uncertain significance (3). Last evaluated 2022-07-23.

Conditions:
Congenital muscular dystrophy due to integrin alpha-7 deficiency. Also called: MYOPATHY, CONGENITAL, DUE TO INTEGRIN ALPHA-7 DEFICIENCY; Congenital muscular dystrophy with integrin alpha-7 deficiency; Muscular dystrophy, congenital, due to ITGA7 deficiency. Identifiers: Orphanet 34520, MedGen C2750786, MONDO:0013177, OMIM 613204.

Allele frequency attached by ClinVar (database versions not stated): ExAC 0.00002; gnomAD 0.00004; gnomAD exomes 0.00004 and 0.00008; TOPMed 0.00004; ESP Exome Variant Server 0.00015.
gnomAD v4.1: 125 of 1,613,670 alleles (0.0077%); highest among the groups gnomAD compares: Non-Finnish European, 0.0098%; no homozygotes.

Submissions (3):

Labcorp Genetics (formerly Invitae), Labcorp
Classification: Uncertain significance for Congenital muscular dystrophy due to integrin alpha-7 deficiency. Last evaluated: 2022-07-23. Review status: criteria provided, single submitter. Criteria: Invitae Variant Classification Sherloc (09022015). Collection method: clinical testing. Allele origin: germline.
Comment: This sequence change replaces glutamine, which is neutral and polar, with glutamic acid, which is acidic and polar, at codon 849 of the ITGA7 protein (p.Gln849Glu). This variant is present in population databases (rs143055936, gnomAD 0.008%). This variant has not been reported in the literature in individuals affected with ITGA7-related conditions. ClinVar contains an entry for this variant (Variation ID: 537997). Algorithms developed to predict the effect of missense changes on protein structure and function (SIFT, PolyPhen-2, Align-GVGD) all suggest that this variant is likely to be tolerated. In summary, the available evidence is currently insufficient to determine the role of this variant in disease. Therefore, it has been classified as a Variant of Uncertain Significance.

Ambry Genetics
Classification: Uncertain significance. Last evaluated: 2021-08-30. Review status: criteria provided, single submitter. Criteria: Ambry Variant Classification Scheme 2023. Collection method: clinical testing. Allele origin: germline.

GeneDx
Classification: Uncertain significance. Last evaluated: 2019-07-31. Review status: criteria provided, single submitter. Criteria: GeneDx Variant Classification Process June 2021. Collection method: clinical testing. Allele origin: germline. Affected: yes.
Comment: Not observed at a significant frequency in large population cohorts (Lek et al., 2016); In silico analysis, which includes protein predictors and evolutionary conservation, supports that this variant does not alter protein structure/function; Has not been previously published as pathogenic or benign to our knowledge